The following is an entry in ClinVar:

ClinVar aggregate classification (germline): Uncertain significance (1 of 4 stars; one submission).

Submission:

GeneDx
Classification: Uncertain significance. Last evaluated: 2017-03-07. Review status: criteria provided, single submitter. Criteria: GeneDx Variant Classification (06012015). Collection method: clinical testing. Allele origin: germline. Affected: yes.
Comment: The L482P missense variant in the L1CAM gene has been reported previously in association with X-linked hydrocephalus (Finckh et al., 2000), with limited evidence for pathogenicity. This variant is not observed in large population cohorts (Lek et al., 2016; 1000 Genomes Consortium et al., 2015; Exome Variant Server). The L482P variant is a semi-conservative amino acid substitution, which may impact secondary protein structure as these residues differ in some properties. This substitution occurs at a position that is conserved across species, and in silico analysis predicts this variant is probably damaging to the protein structure/function. In summary, based on the currently available information, it is unclear whether this variant is a pathogenic variant or a rare benign variant.

NM_001278116.2(L1CAM):c.1445T>C (p.Leu482Pro)

Gene: L1CAM (L1 cell adhesion molecule; minus strand). Cytogenetic location: Xq28.
Variant type: single nucleotide variant.
Coding change: c.1445T>C on transcript NM_001278116.2 (MANE Select); coding-DNA position 1445, T replaced by C.
Protein change: p.Leu482Pro; replaces leucine 482 with proline.
Molecular consequence: missense variant.
Genome position (GRCh38, 1-based): chrX:153,868,662, A>G on the plus strand (T>C on the coding strand, the complement: L1CAM is on the minus strand). VCF-style: chrX-153868662-A-G. GRCh37 (hg19) VCF-style: chrX-153134117-A-G.
Other names: c.1445T>C, p.Leu482Pro (NM_000425.5, NM_024003.3); c.1430T>C, p.Leu477Pro (NM_001143963.2); short protein forms L482P, L477P.
Identifiers: ClinVar variation 420032 (VCV000420032.2), dbSNP rs1064794246, ClinGen allele CA16621233.